The following is an entry in ClinVar:

ClinVar aggregate classification (germline): Uncertain significance (1 of 4 stars; one submission).

gnomAD v4.1: 1 of 1,614,024 alleles (0.000062%); highest among the groups gnomAD compares: African/African-American, 0.0013%; no homozygotes.

Submission:

CeGaT Center for Human Genetics Tuebingen
Classification: Uncertain significance. Last evaluated: 2026-08-01. Review status: criteria provided, single submitter. Criteria: CeGaT Center For Human Genetics Tuebingen Variant Classification Criteria Version 2. Collection method: clinical testing. Allele origin: germline. Affected: yes. Observed: 1 variant allele.
Comment: RNF213: PM2

NM_001256071.3(RNF213):c.9259A>G (p.Ile3087Val)

Gene: RNF213 (ring finger protein 213; plus strand). Cytogenetic location: 17q25.3.
Variant type: single nucleotide variant.
Coding change: c.9259A>G on transcript NM_001256071.3 (MANE Select); coding-DNA position 9259, A replaced by G.
Protein change: p.Ile3087Val; replaces isoleucine 3087 with valine.
Molecular consequence: missense variant.
Genome position (GRCh38, 1-based): chr17:80,347,594, A>G. VCF-style: chr17-80347594-A-G. GRCh37 (hg19) VCF-style: chr17-78321394-A-G.
Other names: c.9406A>G, p.Ile3136Val (NM_001410195.1, NM_020914.5); short protein forms I3087V, I3136V.
Identifiers: ClinVar variation 5040649 (VCV005040649.1).